The following is an entry in ClinVar:

NM_019066.5(MAGEL2):c.959C>T (p.Ala320Val)

Gene: MAGEL2 (MAGE family member L2; minus strand). Cytogenetic location: 15q11.2.
Variant type: single nucleotide variant.
Coding change: c.959C>T on transcript NM_019066.5 (MANE Select); coding-DNA position 959, C replaced by T.
Protein change: p.Ala320Val; replaces alanine 320 with valine.
Molecular consequence: missense variant.
Genome position (GRCh38, 1-based): chr15:23,646,784, G>A on the plus strand (C>T on the coding strand, the complement: MAGEL2 is on the minus strand). VCF-style: chr15-23646784-G-A. GRCh37 (hg19) VCF-style: chr15-23891931-G-A.
Other names: short protein forms A320V.
Identifiers: ClinVar variation 1926134 (VCV001926134.9), dbSNP rs541606785, ClinGen allele CA267660835.

ClinVar aggregate classification (germline): Uncertain significance. Review status: criteria provided, multiple submitters, no conflicts (2 of 4 stars). 4 submissions from 4 submitters: Uncertain significance (4). Last evaluated 2026-04-07.

Conditions:
MAGEL2-related disorder. Also called: MAGEL2-related condition.
Inborn genetic diseases. Identifiers: MedGen C0950123, MeSH D030342.
Schaaf-Yang syndrome (SHFYNG). Also called: Arthrogryposis, distal, with hypopituitarism, intellectual disability, and facial anomalies; MAGEL2-related Prader-Willi-like syndrome. Identifiers: Orphanet 398069, MedGen C5575066, MONDO:0014243, OMIM 615547.

gnomAD v4.1: 6 of 1,535,036 alleles (0.00039%); highest among the groups gnomAD compares: Non-Finnish European, 0.00052%; no homozygotes.

Submissions (4):

PreventionGenetics, part of Exact Sciences
Classification: Uncertain significance for MAGEL2-related condition. Last evaluated: 2026-04-07. Review status: criteria provided, single submitter. Criteria: ACMG Guidelines, 2015. Collection method: clinical testing. Allele origin: germline.
Comment: The MAGEL2 c.959C>T variant is predicted to result in the amino acid substitution p.Ala320Val. To our knowledge, this variant has not been reported in the literature. This variant is reported in 0.0018% of alleles in individuals of European (Non-Finnish) descent in gnomAD. At this time, the clinical significance of this variant is uncertain due to the absence of conclusive functional and genetic evidence.

Ambry Genetics
Classification: Uncertain significance for Inborn genetic diseases. Last evaluated: 2025-06-03. Review status: criteria provided, single submitter. Criteria: Ambry Variant Classification Scheme 2023. Collection method: clinical testing. Allele origin: germline.

Labcorp Genetics (formerly Invitae), Labcorp
Classification: Uncertain significance. Last evaluated: 2022-11-08. Review status: criteria provided, single submitter. Criteria: Invitae Variant Classification Sherloc (09022015). Collection method: clinical testing. Allele origin: germline.
Comment: In summary, the available evidence is currently insufficient to determine the role of this variant in disease. Therefore, it has been classified as a Variant of Uncertain Significance. Experimental studies and prediction algorithms are not available or were not evaluated, and the functional significance of this variant is currently unknown. This variant has not been reported in the literature in individuals affected with MAGEL2-related conditions. This variant is present in population databases (no rsID available, gnomAD 0.002%). This sequence change replaces alanine, which is neutral and non-polar, with valine, which is neutral and non-polar, at codon 320 of the MAGEL2 protein (p.Ala320Val).

Revvity Omics, Revvity
Classification: Uncertain significance for Schaaf-Yang syndrome. Last evaluated: 2020-06-04. Review status: criteria provided, single submitter. Criteria: ACMG Guidelines, 2015. Collection method: clinical testing. Allele origin: germline.